The following is an entry in ClinVar:

ClinVar aggregate classification (germline): Uncertain significance. Review status: criteria provided, multiple submitters, no conflicts (2 of 4 stars). 3 submissions from 3 submitters: Uncertain significance (3). Last evaluated 2025-09-29.

Conditions:
RYR1-related disorder. Also called: RYR1-related condition; RYR1-related disorders. Identifiers: MedGen CN239331.
Malignant hyperthermia, susceptibility to, 1 (MHS1). Also called: RYR1-Related Malignant Hyperthermia Susceptibility; Anesthesia related hyperthermia; Malignant hyperpyrexia; Fulminating hyperpyrexia; Pharmacogenic myopathy; Malignant hyperthermia suceptibility 1. Identifiers: Orphanet 423, MedGen C2930980, MONDO:0007783, OMIM 145600.

gnomAD v4.1: 4 of 1,612,536 alleles (0.00025%); highest among the groups gnomAD compares: Non-Finnish European, 0.00034%; no homozygotes.

Submissions (3):

Color Diagnostics, LLC DBA Color Health
Classification: Uncertain significance for Malignant hyperthermia, susceptibility to, 1. Last evaluated: 2025-09-29. Review status: criteria provided, single submitter. Criteria: ACMG Guidelines, 2015. Collection method: clinical testing. Allele origin: germline.
Comment: This missense variant replaces aspartic acid with glycine at codon 2782 of the RYR1 protein. Computational prediction suggests that this variant may have deleterious impact on protein structure and function. To our knowledge, functional studies have not been reported for this variant. This variant has not been reported in individuals affected with RYR1-related disorders in the literature. This variant has been identified in 4/1460250 chromosomes in the general population by the Genome Aggregation Database (gnomAD). The available evidence is insufficient to determine the role of this variant in disease conclusively. Therefore, this variant is classified as a Variant of Uncertain Significance.

GeneDx
Classification: Uncertain significance. Last evaluated: 2022-09-19. Review status: criteria provided, single submitter. Criteria: GeneDx Variant Classification Process June 2021. Collection method: clinical testing. Allele origin: germline. Affected: yes.
Comment: Not observed at significant frequency in large population cohorts (gnomAD); In silico analysis supports that this missense variant has a deleterious effect on protein structure/function; Has not been previously published as pathogenic or benign to our knowledge; This variant is associated with the following publications: (PMID: 12668474)

Labcorp Genetics (formerly Invitae), Labcorp
Classification: Uncertain significance for RYR1-related disorder. Last evaluated: 2022-08-16. Review status: criteria provided, single submitter. Criteria: Invitae Variant Classification Sherloc (09022015). Collection method: clinical testing. Allele origin: germline.
Comment: This sequence change replaces aspartic acid, which is acidic and polar, with glycine, which is neutral and non-polar, at codon 2782 of the RYR1 protein (p.Asp2782Gly). This variant is not present in population databases (gnomAD no frequency). This variant has not been reported in the literature in individuals affected with RYR1-related conditions. ClinVar contains an entry for this variant (Variation ID: 544438). Advanced modeling of protein sequence and biophysical properties (such as structural, functional, and spatial information, amino acid conservation, physicochemical variation, residue mobility, and thermodynamic stability) performed at Invitae indicates that this missense variant is not expected to disrupt RYR1 protein function. In summary, the available evidence is currently insufficient to determine the role of this variant in disease. Therefore, it has been classified as a Variant of Uncertain Significance.

NM_000540.3(RYR1):c.8345A>G (p.Asp2782Gly)

Genes: RYR1 (ryanodine receptor 1; plus strand), LOC126862902 (BRD4-independent group 4 enhancer GRCh37_chr19:38995830-38997029; plus strand). Cytogenetic location: 19q13.2.
Variant type: single nucleotide variant.
Coding change: c.8345A>G on transcript NM_000540.3 (MANE Select); coding-DNA position 8345, A replaced by G.
Protein change: p.Asp2782Gly; replaces aspartic acid 2782 with glycine.
Molecular consequence: missense variant.
Genome position (GRCh38, 1-based): chr19:38,505,343, A>G. VCF-style: chr19-38505343-A-G. GRCh37 (hg19) VCF-style: chr19-38995983-A-G.
Other names: c.8345A>G, p.Asp2782Gly (NM_001042723.2); short protein forms D2782G.
Identifiers: ClinVar variation 544438 (VCV000544438.10), dbSNP rs1555785401, ClinGen allele CA405677512.